The following is an entry in ClinVar:

NM_000070.3(CAPN3):c.1435A>G (p.Ser479Gly)

Gene: CAPN3 (calpain 3; plus strand). Cytogenetic location: 15q15.1.
Variant type: single nucleotide variant.
Coding change: c.1435A>G on transcript NM_000070.3 (MANE Select); coding-DNA position 1435, A replaced by G.
Protein change: p.Ser479Gly; replaces serine 479 with glycine.
Molecular consequence: missense variant.
Genome position (GRCh38, 1-based): chr15:42,401,721, A>G. VCF-style: chr15-42401721-A-G. GRCh37 (hg19) VCF-style: chr15-42693919-A-G.
Other names: NM_000070.3(CAPN3):c.1435A>G; c.1435A>G, p.Ser479Gly (NM_024344.2); c.1291A>G, p.Ser431Gly (NM_173087.2); short protein forms S479G, S431G.
Identifiers: ClinVar variation 92405 (VCV000092405.40), dbSNP rs201736037, ClinGen allele CA220341.

ClinVar aggregate classification (germline): Pathogenic. Review status: reviewed by expert panel (3 of 4 stars). 15 submissions from 15 submitters: Pathogenic (1). 14 of the submissions do not count toward it. Last evaluated 2026-02-26.

Conditions:
CAPN3-related disorder. Also called: CAPN3-related disorders; CAPN3-related condition. Identifiers: MedGen CN239245.
Autosomal recessive limb-girdle muscular dystrophy type 2A (LGMDR1). Also called: MUSCULAR DYSTROPHY, PELVOFEMORAL; LEYDEN-MOEBIUS MUSCULAR DYSTROPHY; Limb-girdle muscular dystrophy, type 2A; Calpainopathy; Muscular dystrophy, limb-girdle, type 2A, Amish. Identifiers: Orphanet 267, MedGen C1869123, MONDO:0009675, OMIM 253600. Disease mechanism: loss of function.
Muscular dystrophy, limb-girdle, autosomal dominant 4. Also called: MUSCULAR DYSTROPHY, LIMB-GIRDLE, TYPE 1I; Calpain-3-related limb-girdle muscular dystrophy D4. Identifiers: Orphanet 565909, MedGen C4748295, MONDO:0029133, OMIM 618129.
Autosomal recessive limb-girdle muscular dystrophy. Identifiers: Orphanet 102015, MedGen C2931907, MONDO:0015152.

Allele frequency attached by ClinVar (database versions not stated): ExAC 0.00005; gnomAD 0.00006 and 0.00007; TOPMed 0.00007; gnomAD exomes 0.00006.
gnomAD v4.1: 166 of 1,614,052 alleles (0.01%); highest among the groups gnomAD compares: Non-Finnish European, 0.013%; no homozygotes.

Submissions 1 to 9 of 15:

ClinGen Limb Girdle Muscular Dystrophy Variant Curation Expert Panel, ClinGen
Classification: Pathogenic for Autosomal recessive limb-girdle muscular dystrophy. Last evaluated: 2026-02-26. Review status: reviewed by expert panel. Criteria: ClinGen LGMD VCEP ACMG Specifications CAPN3 V2.0.0. Collection method: curation. Allele origin: germline. Inheritance: Autosomal recessive inheritance.
Comment: The NM_000070.3: c.1435A>G variant in CAPN3 is a missense variant predicted to cause the substitution of serine to glycine at codon 479, p.(Ser479Gly). This variant has been identified in at least 10 individuals with features consistent with LGMD (PMID: 32896923, 27055500, 27066573, 18563459, 30564623, 18055493, 15689361, 11297944, 11166169, 10330340), including in a homozygous state without reported consanguinity in three unrelated patients (1.0 pt, PMID: 18055493, 30564623; LOVD Individuals #00214581, #00214598, #00222203) and confirmed in trans with a likely pathogenic or pathogenic variant in one patient (c.1706T>C p.(Phe569Ser), 1.0 pt, PMID: 32896923). It has also been reported in unconfirmed phase with a pathogenic variant in four patients (c.550del, p.(Thr184ArgfsTer36), 0.5 pts, PMID: 30564623, LOVD Individual #00222487; c.327_328dup, p.(Arg110ProfsTer18), 0.5 pts, PMID: 18055493, LOVD Individual #00214565; c.1743_1744del, p.(Glu582GlyfsTer3), 0.5 pts, PMID: 30564623, LOVD Individual #00219474; c.258dup, p.(Leu87SerfsTer4), 0.5 pts, PMID: 30564623, LOVD Individual #00220962) (PM3_Very strong). At least one patient with this variant and a second presumed diagnostic CAPN3 allele displayed progressive limb girdle muscle weakness and absent calpain-3 protein expression in skeletal muscle, which is highly specific for CAPN3-related LGMD (PMID: 18055493; PP4_Strong). The Grpmax variant allele frequency in gnomAD v4.1.0 is 0.0001347 in the European (non-Finnish) population (159/1180030 chromosomes), which is higher than the VCEP threshold for PM2_Supporting (<0.0001) (PM2_Supporting not met). The computational predictor REVEL gives a score of 0.887, which is above the LGMD VCEP threshold of ≥0.70, evidence that correlates with impact to CAPN3 function (PP3). In summary, this variant meets the criteria to be classified as Pathogenic for autosomal recessive limb girdle muscular dystrophy based on the ACMG/AMP criteria applied, as specified by the ClinGen LGMD VCEP (LGMD VCEP specifications version 2.0.0; 02/26/2026): PM3_Very strong, PP4_Strong, PP3.

Illumina Laboratory Services, Illumina
Classification: Pathogenic for Autosomal recessive limb-girdle muscular dystrophy type 2A. Last evaluated: 2026-02-26. Review status: criteria provided, single submitter. Criteria: ISL SNV Classification Criteria 19 June 2025. Collection method: clinical testing. Allele origin: unknown. Affected: yes. Not counted in ClinVar's aggregate classification.
Comment: The CAPN3 c.1435A>G p.(Ser479Gly) missense variant has been identified in trans with a likely pathogenic or pathogenic variant in individuals with a phenotype consistent with autosomal recessive limb girdle muscular dystrophy (PMID:32896923; 27055500; 27066573; 18563459; 30564623; 18055493; 15689631; 11297944; 11166169; 10330340). Reduced and/or absent calpain-3 expression was demonstrated in muscle biopsies in several of these patients. The highest frequency of this allele in the Genome Aggregation Database is 0.0001347 in the European (non-Finnish) population (version 4.1.0).The variant is located in a well-conserved residue that was described as the start of a cluster of variants that can affect the interaction and assembly of calpain-3 protein domains (PMID:11371436). Multiple lines of computational evidence suggest the variant may impact the gene or gene product. Based on the available evidence, the c.1435A>G p.(Ser479Gly) variant is classified as pathogenic for autosomal recessive limb girdle muscular dystrophy.

Natera, Inc.
Classification: Likely pathogenic for Limb-girdle muscular dystrophy type 2A. Last evaluated: 2026-01-16. Review status: criteria provided, single submitter. Criteria: Natera Variant Classification Schema (03/2026). Collection method: clinical testing. Allele origin: germline. Not counted in ClinVar's aggregate classification.
Comment: The c.1435A>G variant in CAPN3 is a missense variant predicted to cause substitution of serine to glycine at amino acid 479. This variant is rare in the general population with a frequency below the threshold expected for the associated phenotype(s). This variant has been observed in one or more individuals affected with the associated recessive disease, as either homozygous or compound heterozygous with a second variant (PMID: 40237364, 39678382, 10330340, 27066573, 18055493, 18563459). Computational prediction algorithms indicate this variant is likely to affect gene or protein function. Given the available evidence, this variant is classified as Likely Pathogenic.

Labcorp Genetics (formerly Invitae), Labcorp
Classification: Pathogenic for Autosomal recessive limb-girdle muscular dystrophy type 2A. Last evaluated: 2025-12-26. Review status: criteria provided, single submitter. Criteria: Invitae Variant Classification Sherloc (09022015). Collection method: clinical testing. Allele origin: germline. Not counted in ClinVar's aggregate classification.
Comment: This sequence change replaces serine, which is neutral and polar, with glycine, which is neutral and non-polar, at codon 479 of the CAPN3 protein (p.Ser479Gly). This variant is present in population databases (rs201736037, gnomAD 0.01%). This missense change has been observed in individual(s) with autosomal recessive limb-girdle muscular dystrophy (PMID: 10330340, 15689361, 18055493, 18563459, 20694146). In at least one individual the data is consistent with being in trans (on the opposite chromosome) from a pathogenic variant. ClinVar contains an entry for this variant (Variation ID: 92405). Invitae Evidence Modeling of protein sequence and biophysical properties (such as structural, functional, and spatial information, amino acid conservation, physicochemical variation, residue mobility, and thermodynamic stability) indicates that this missense variant is expected to disrupt CAPN3 protein function with a positive predictive value of 80%. For these reasons, this variant has been classified as Pathogenic.

GeneDx
Classification: Likely pathogenic. Last evaluated: 2025-11-10. Review status: criteria provided, single submitter. Criteria: GeneDx Variant Classification Process June 2021. Collection method: clinical testing. Allele origin: germline. Affected: yes. Not counted in ClinVar's aggregate classification.
Comment: In silico analysis supports that this missense variant has a deleterious effect on protein structure/function; This variant is associated with the following publications: (PMID: 18055493, 27055500, 11166169, 20694146, 27066573, 11297944, 30564623, 34426522, 31589614, 34298987, 18563459, 15689361, 10330340, 32896923, 39678382, 40136695)

Revvity Omics, Revvity
Classification: Pathogenic. Last evaluated: 2024-05-14. Review status: criteria provided, single submitter. Criteria: ACMG Guidelines, 2015. Collection method: clinical testing. Allele origin: germline. Not counted in ClinVar's aggregate classification.

Baylor Genetics
Classification: Pathogenic for Muscular dystrophy, limb-girdle, autosomal dominant 4. Last evaluated: 2024-03-28. Review status: criteria provided, single submitter. Criteria: ACMG Guidelines, 2015. Collection method: clinical testing. Allele origin: unknown. Not counted in ClinVar's aggregate classification.

Fulgent Genetics
Classification: Pathogenic for Autosomal recessive limb-girdle muscular dystrophy type 2A; Muscular dystrophy, limb-girdle, autosomal dominant 4. Last evaluated: 2024-01-05. Review status: criteria provided, single submitter. Criteria: ACMG Guidelines, 2015. Collection method: clinical testing. Allele origin: germline. Not counted in ClinVar's aggregate classification.

Blueprint Genetics
Classification: Pathogenic for CAPN3-related disorders. Last evaluated: 2023-04-18. Review status: criteria provided, single submitter. Criteria: ACMG Guidelines, 2015. Collection method: clinical testing. Allele origin: germline. Affected: yes. Observed: 5 variant alleles. Not counted in ClinVar's aggregate classification.